The following is an entry in ClinVar:

ClinVar aggregate classification (germline): Benign. Review status: criteria provided, multiple submitters, no conflicts (2 of 4 stars). 7 submissions from 6 submitters: Benign (7). Last evaluated 2026-02-03.

Conditions:
Tangier disease (TGD). Also called: HIGH DENSITY LIPOPROTEIN DEFICIENCY, TANGIER TYPE; HIGH DENSITY LIPOPROTEIN DEFICIENCY, TYPE 1; Cholesterol thesaurismosis. Identifiers: Orphanet 31150, MedGen C0039292, MONDO:0008783, OMIM 205400.
Cardiovascular phenotype. Identifiers: MedGen CN230736.
Hypoalphalipoproteinemia, primary, 1. Identifiers: Orphanet 425, MedGen C5231558, MONDO:0011393, OMIM 604091.

Allele frequency attached by ClinVar (database versions not stated): gnomAD exomes 0.00884; ExAC 0.01163; gnomAD 0.03338 and 0.03596; ESP Exome Variant Server 0.03729; 1000 Genomes Project 0.03774; TOPMed 0.03829; 1000 Genomes Project 30x 0.03998.
gnomAD v4.1: 10,467 of 1,612,984 alleles (0.65%); highest among the groups gnomAD compares: African/African-American, 11%; 525 homozygotes.

Submissions (7):

Labcorp Genetics (formerly Invitae), Labcorp
Classification: Benign. Last evaluated: 2026-02-03. Review status: criteria provided, single submitter. Criteria: Invitae Variant Classification Sherloc (09022015). Collection method: clinical testing. Allele origin: germline.

Mayo Clinic Laboratories, Mayo Clinic
Classification: Benign. Last evaluated: 2022-05-26. Review status: criteria provided, single submitter. Criteria: ACMG Guidelines, 2015. Collection method: clinical testing. Allele origin: germline. Observed: 11 variant alleles.
Comment: BA1

Ambry Genetics
Classification: Benign for Cardiovascular phenotype. Last evaluated: 2019-05-03. Review status: criteria provided, single submitter. Criteria: Ambry Variant Classification Scheme 2023. Collection method: clinical testing. Allele origin: germline.

GeneDx
Classification: Benign. Last evaluated: 2018-10-04. Review status: criteria provided, single submitter. Criteria: GeneDx Variant Classification Process June 2021. Collection method: clinical testing. Allele origin: germline. Affected: yes.

Illumina Laboratory Services, Illumina
Classification: Benign for Tangier disease. Last evaluated: 2018-01-13. Review status: criteria provided, single submitter. Criteria: ICSL Variant Classification Criteria 13 December 2019. Collection method: clinical testing. Allele origin: germline.
Comment: This variant was observed in the ICSL laboratory as part of a predisposition screen in an ostensibly healthy population. It had not been previously curated by ICSL or reported in the Human Gene Mutation Database (HGMD: prior to June 1st, 2018), and was therefore a candidate for classification through an automated scoring system. Utilizing variant allele frequency, disease prevalence and penetrance estimates, and inheritance mode, an automated score was calculated to assess if this variant is too frequent to cause the disease. Based on the score and internal cut-off values, a variant classified as benign is not then subjected to further curation. The score for this variant resulted in a classification of benign for this disease.

Illumina Laboratory Services, Illumina
Classification: Benign for Hypoalphalipoproteinemia, primary, 1. Last evaluated: 2018-01-13. Review status: criteria provided, single submitter. Criteria: ICSL Variant Classification Criteria 13 December 2019. Collection method: clinical testing. Allele origin: germline.
Comment: the same text as in the submission from Illumina Laboratory Services, Illumina above.

Breakthrough Genomics
Classification: Benign. Review status: criteria provided, single submitter. Criteria: ACMG Guidelines, 2015. Collection method: not provided. Allele origin: germline. Inheritance: Autosomal recessive inheritance. Affected: yes.

NM_005502.4(ABCA1):c.5763T>C (p.Tyr1921=)

Gene: ABCA1 (ATP binding cassette subfamily A member 1; minus strand). Cytogenetic location: 9q31.1.
Variant type: single nucleotide variant.
Coding change: c.5763T>C on transcript NM_005502.4 (MANE Select); coding-DNA position 5763, T replaced by C.
Protein change: p.Tyr1921=; no amino-acid change (tyrosine 1921 retained).
Molecular consequence: synonymous variant.
Genome position (GRCh38, 1-based): chr9:104,791,993, A>G on the plus strand (T>C on the coding strand, the complement: ABCA1 is on the minus strand). VCF-style: chr9-104791993-A-G. GRCh37 (hg19) VCF-style: chr9-107554274-A-G.
Other names: p.Tyr1921=.
Identifiers: ClinVar variation 364386 (VCV000364386.19), dbSNP rs34078184, ClinGen allele CA5167731.